The following is an entry in ClinVar:

ClinVar aggregate classification (germline): Likely benign. Review status: criteria provided, multiple submitters, no conflicts (2 of 4 stars). 7 submissions from 7 submitters: Likely benign (7). Last evaluated 2025-10-20.

Conditions:
CHEK2-related cancer predisposition (TPDS4). Also called: CHEK2-related cancer susceptibility; TUMOR PREDISPOSITION SYNDROME 4; CANCER PREDISPOSITION SYNDROME, CHEK2-RELATED. Identifiers: Orphanet 524, MedGen C5882668, MONDO:0700271, OMIM 609265.
Familial cancer of breast. Also called: BREAST CANCER, FAMILIAL; hereditary breast carcinoma; Hereditary breast cancer. Identifiers: Orphanet 227535, MedGen C0346153, MONDO:0016419, OMIM 114480. Disease mechanism: loss of function.
Hereditary cancer-predisposing syndrome. Also called: Tumor predisposition; Hereditary Cancer Syndrome; Hereditary neoplastic syndrome; Neoplastic Syndromes, Hereditary. Identifiers: Orphanet 140162, MedGen C0027672, MeSH D009386, MONDO:0015356.

Allele frequency attached by ClinVar (database versions not stated): gnomAD exomes below 0.00001; TOPMed below 0.00001; gnomAD 0.00001.
gnomAD v4.1: 6 of 1,614,022 alleles (0.00037%); highest among the groups gnomAD compares: Non-Finnish European, 0.00051%; no homozygotes.

Submissions (7):

Labcorp Genetics (formerly Invitae), Labcorp
Classification: Likely benign for Familial cancer of breast. Last evaluated: 2025-10-20. Review status: criteria provided, single submitter. Criteria: Invitae Variant Classification Sherloc (09022015). Collection method: clinical testing. Allele origin: germline.

Center for Genomic Medicine, Rigshospitalet, Copenhagen University Hospital
Classification: Likely benign. Last evaluated: 2025-03-04. Review status: criteria provided, single submitter. Criteria: ACMG Guidelines, 2015. Collection method: clinical testing. Allele origin: germline.

Myriad Genetics, Inc.
Classification: Likely benign for Familial cancer of breast. Last evaluated: 2024-10-02. Review status: criteria provided, single submitter. Criteria: Myriad Autosomal Dominant, Autosomal Recessive and X-Linked Classification Criteria (2023). Collection method: clinical testing. Allele origin: unknown.
Comment: This variant is considered likely benign. This variant is intronic and is not expected to impact mRNA splicing.

Blueprint Genetics
Classification: Likely benign. Last evaluated: 2024-02-26. Review status: criteria provided, single submitter. Criteria: ACMG Guidelines, 2015. Collection method: clinical testing. Allele origin: germline.

Department of Pathology and Laboratory Medicine, Sinai Health System
Classification: Likely benign for CHEK2-related cancer predisposition. Last evaluated: 2022-11-11. Review status: criteria provided, single submitter. Criteria: ACMG Guidelines, 2015. Collection method: clinical testing. Allele origin: germline. Affected: yes.

GeneDx
Classification: Likely benign. Last evaluated: 2018-08-08. Review status: criteria provided, single submitter. Criteria: GeneDx Variant Classification Process June 2021. Collection method: clinical testing. Allele origin: germline. Affected: yes.

Color Diagnostics, LLC DBA Color Health
Classification: Likely benign for Hereditary cancer-predisposing syndrome. Last evaluated: 2015-11-02. Review status: criteria provided, single submitter. Criteria: ACMG Guidelines, 2015. Collection method: clinical testing. Allele origin: germline.

NM_007194.4(CHEK2):c.445-10T>C

Gene: CHEK2 (checkpoint kinase 2; minus strand). Cytogenetic location: 22q12.1.
Variant type: single nucleotide variant.
Coding change: c.445-10T>C on transcript NM_007194.4 (MANE Select); 10 bases into the intron before coding-DNA position 445, T replaced by C.
Molecular consequence: intron variant.
Genome position (GRCh38, 1-based): chr22:28,725,134, A>G on the plus strand (T>C on the coding strand, the complement: CHEK2 is on the minus strand). VCF-style: chr22-28725134-A-G. GRCh37 (hg19) VCF-style: chr22-29121122-A-G.
Other names: c.-219-10T>C (NM_001437942.1); c.444+109T>C (NM_001349956.3); c.445-10T>C (NM_145862.3); c.-333-10T>C (NM_001257387.3); c.538-10T>C (NM_001438295.1, NM_001438293.1); c.574-10T>C (NM_001438294.1, NM_001005735.3).
Identifiers: ClinVar variation 415922 (VCV000415922.22), dbSNP rs1060504692, ClinGen allele CA16616341.